The following is an entry in ClinVar:

NM_016219.5(MAN1B1):c.1312C>T (p.Leu438=)

Gene: MAN1B1 (mannosidase alpha class 1B member 1; plus strand). Cytogenetic location: 9q34.3.
Variant type: single nucleotide variant.
Coding change: c.1312C>T on transcript NM_016219.5 (MANE Select); coding-DNA position 1312, C replaced by T.
Protein change: p.Leu438=; no amino-acid change (leucine 438 retained).
Molecular consequence: synonymous variant. On other transcripts: non-coding transcript variant (2).
Genome position (GRCh38, 1-based): chr9:137,106,182, C>T. VCF-style: chr9-137106182-C-T. GRCh37 (hg19) VCF-style: chr9-140000634-C-T.
Identifiers: ClinVar variation 595523 (VCV000595523.46), dbSNP rs150942110, ClinGen allele CA5359184.

ClinVar aggregate classification (germline): Conflicting classifications of pathogenicity. Review status: criteria provided, conflicting classifications (1 of 4 stars). 5 submissions from 5 submitters: Uncertain significance (2); Likely benign (3). Last evaluated 2025-10-26.

Conditions:
Inborn genetic diseases. Identifiers: MedGen C0950123, MeSH D030342.
Rafiq syndrome (RAFQS). Identifiers: Orphanet 88616, MedGen C3280127, MONDO:0013624, OMIM 614202.

Allele frequency attached by ClinVar (database versions not stated): gnomAD 0.00015 and 0.00016; gnomAD exomes 0.00016 and 0.00029; TOPMed 0.00022; ExAC 0.00025; ESP Exome Variant Server 0.00031.
gnomAD v4.1: 267 of 1,612,630 alleles (0.017%); highest among the groups gnomAD compares: Non-Finnish European, 0.0036%; no homozygotes.

Submissions (5):

Labcorp Genetics (formerly Invitae), Labcorp
Classification: Likely benign for Rafiq syndrome. Last evaluated: 2025-10-26. Review status: criteria provided, single submitter. Criteria: Invitae Variant Classification Sherloc (09022015). Collection method: clinical testing. Allele origin: germline.

CeGaT Center for Human Genetics Tuebingen
Classification: Likely benign. Last evaluated: 2023-01-01. Review status: criteria provided, single submitter. Criteria: CeGaT Center For Human Genetics Tuebingen Variant Classification Criteria Version 2. Collection method: clinical testing. Allele origin: germline. Affected: yes. Observed: 1 variant allele.
Comment: MAN1B1: BP4, BP7

Ambry Genetics
Classification: Likely benign for Inborn genetic diseases. Last evaluated: 2018-05-02. Review status: criteria provided, single submitter. Criteria: Ambry Variant Classification Scheme 2023. Collection method: clinical testing. Allele origin: germline.

Illumina Laboratory Services, Illumina
Classification: Uncertain significance for Rafiq syndrome. Last evaluated: 2018-01-13. Review status: criteria provided, single submitter. Criteria: ICSL Variant Classification Criteria 13 December 2019. Collection method: clinical testing. Allele origin: germline.

Eurofins Ntd Llc (ga)
Classification: Uncertain significance. Last evaluated: 2018-01-04. Review status: criteria provided, single submitter. Criteria: EGL Classification Definitions 2015. Collection method: clinical testing. Allele origin: germline. Observed: 1 variant allele, 1 heterozygote.